The following is an entry in ClinVar:

ClinVar aggregate classification (germline): Uncertain significance (1 of 4 stars; one submission).

gnomAD v4.1: 1 of 1,614,238 alleles (0.000062%); highest among the groups gnomAD compares: Non-Finnish European, 0.000085%; no homozygotes.

Submission:

Labcorp Genetics (formerly Invitae), Labcorp
Classification: Uncertain significance. Last evaluated: 2023-08-11. Review status: criteria provided, single submitter. Criteria: Invitae Variant Classification Sherloc (09022015). Collection method: clinical testing. Allele origin: germline.
Comment: In summary, the available evidence is currently insufficient to determine the role of this variant in disease. Therefore, it has been classified as a Variant of Uncertain Significance. Advanced modeling of protein sequence and biophysical properties (such as structural, functional, and spatial information, amino acid conservation, physicochemical variation, residue mobility, and thermodynamic stability) performed at Invitae indicates that this missense variant is not expected to disrupt CEP97 protein function. This variant has not been reported in the literature in individuals affected with CEP97-related conditions. This variant is not present in population databases (gnomAD no frequency). This sequence change replaces glutamic acid, which is acidic and polar, with aspartic acid, which is acidic and polar, at codon 438 of the CEP97 protein (p.Glu438Asp).

NM_024548.4(CEP97):c.1314A>C (p.Glu438Asp)

Gene: CEP97 (centrosomal protein 97; plus strand). Cytogenetic location: 3q12.3.
Variant type: single nucleotide variant.
Coding change: c.1314A>C on transcript NM_024548.4 (MANE Select); coding-DNA position 1314, A replaced by C.
Protein change: p.Glu438Asp; replaces glutamic acid 438 with aspartic acid.
Molecular consequence: missense variant.
Genome position (GRCh38, 1-based): chr3:101,757,920, A>C. VCF-style: chr3-101757920-A-C. GRCh37 (hg19) VCF-style: chr3-101476764-A-C.
Other names: c.1137A>C, p.Glu379Asp (NM_001303401.2); c.1212A>C, p.Glu404Asp (NM_001410784.1); c.1035A>C, p.Glu345Asp (NM_001410785.1); short protein forms E438D, E379D, E404D, E345D.
Identifiers: ClinVar variation 2796139 (VCV002796139.3), dbSNP rs778631146, ClinGen allele CA353877305.